The following is an entry in ClinVar:

ClinVar aggregate classification (germline): Uncertain significance. Review status: criteria provided, multiple submitters, no conflicts (2 of 4 stars). 3 submissions from 3 submitters: Uncertain significance (3). Last evaluated 2026-05-05.

Conditions:
Cardiovascular phenotype. Identifiers: MedGen CN230736.
Dilated cardiomyopathy 1AA (CMD1AA). Also called: CARDIOMYOPATHY, DILATED, 1AA, WITH OR WITHOUT LEFT VENTRICULAR NONCOMPACTION; CARDIOMYOPATHY, FAMILIAL HYPERTROPHIC, 23, WITH OR WITHOUT LEFT VENTRICULAR NONCOMPACTION; Cardiomyopathy, dilated, 1AA, with or without LVNC. Identifiers: Orphanet 154, MedGen C2677338, MONDO:0012808, OMIM 612158.
Primary familial hypertrophic cardiomyopathy (HCM). Identifiers: Orphanet 99739, MedGen C0949658, MeSH D024741, MONDO:0024573. Inheritance: Various modes of inheritance.
ACTN2-related disorder. Also called: ACTN2 related condition; ACTN2-related disorders.

Allele frequency attached by ClinVar (database versions not stated): TOPMed 0.00001.
gnomAD v4.1: 2 of 1,614,146 alleles (0.00012%); highest among the groups gnomAD compares: Admixed American, 0.0033%; no homozygotes.

Submissions (3):

PreventionGenetics, part of Exact Sciences
Classification: Uncertain significance for ACTN2-related condition. Last evaluated: 2026-05-05. Review status: criteria provided, single submitter. Criteria: ACMG Guidelines, 2015. Collection method: clinical testing. Allele origin: germline.
Comment: The ACTN2 c.1573G>T variant is predicted to result in the amino acid substitution p.Ala525Ser. To our knowledge, this variant has not been reported in the literature or in a large population database (gnomAD), indicating this variant is rare. At this time, the clinical significance of this variant is uncertain due to the absence of conclusive functional and genetic evidence.

Ambry Genetics
Classification: Uncertain significance for Cardiovascular phenotype. Last evaluated: 2025-04-03. Review status: criteria provided, single submitter. Criteria: Ambry Variant Classification Scheme 2023. Collection method: clinical testing. Allele origin: germline.

Labcorp Genetics (formerly Invitae), Labcorp
Classification: Uncertain significance for Primary familial hypertrophic cardiomyopathy; Dilated cardiomyopathy 1AA. Last evaluated: 2023-10-28. Review status: criteria provided, single submitter. Criteria: Invitae Variant Classification Sherloc (09022015). Collection method: clinical testing. Allele origin: germline.
Comment: This sequence change replaces alanine, which is neutral and non-polar, with serine, which is neutral and polar, at codon 525 of the ACTN2 protein (p.Ala525Ser). This variant is not present in population databases (gnomAD no frequency). This variant has not been reported in the literature in individuals affected with ACTN2-related conditions. Advanced modeling of protein sequence and biophysical properties (such as structural, functional, and spatial information, amino acid conservation, physicochemical variation, residue mobility, and thermodynamic stability) performed at Invitae indicates that this missense variant is not expected to disrupt ACTN2 protein function with a negative predictive value of 80%. In summary, the available evidence is currently insufficient to determine the role of this variant in disease. Therefore, it has been classified as a Variant of Uncertain Significance.

NM_001103.4(ACTN2):c.1573G>T (p.Ala525Ser)

Gene: ACTN2 (actinin alpha 2; plus strand). Cytogenetic location: 1q43.
Variant type: single nucleotide variant.
Coding change: c.1573G>T on transcript NM_001103.4 (MANE Select); coding-DNA position 1573, G replaced by T.
Protein change: p.Ala525Ser; replaces alanine 525 with serine.
Molecular consequence: missense variant. On other transcripts: non-coding transcript variant (1).
Genome position (GRCh38, 1-based): chr1:236,749,181, G>T. VCF-style: chr1-236749181-G-T. GRCh37 (hg19) VCF-style: chr1-236912481-G-T.
Other names: c.1573G>T (NM_001103.2, NM_001103.3); c.949G>T, p.Ala317Ser (NM_001278344.2); c.823G>T, p.Ala275Ser (NM_001412150.1); c.1573G>T, p.Ala525Ser (NM_001278343.2); short protein forms A525S, A317S, A275S.
Identifiers: ClinVar variation 2932999 (VCV002932999.5), dbSNP rs760753594, ClinGen allele CA345384781.